The following is an entry in ClinVar:

ClinVar aggregate classification (germline): Pathogenic (1 of 4 stars; one submission).

Submission:

GeneDx
Classification: Pathogenic. Last evaluated: 2017-09-12. Review status: criteria provided, single submitter. Criteria: GeneDx Variant Classification (06012015). Collection method: clinical testing. Allele origin: germline. Affected: yes.
Comment: The W2253X variant in the NOTCH2 gene has not been reported previously as a pathogenic variant nor as a benign variant, to our knowledge. This variant is predicted to cause loss of normal protein function through protein truncation as the last 219 amino acids of the protein are lost. The W2253X variant is not observed in large population cohorts (Lek et al., 2016; 1000 Genomes Consortium et al., 2015; Exome Variant Server). We interpret W2253X as a pathogenic variant.

NM_024408.4(NOTCH2):c.6758G>A (p.Trp2253Ter)

Gene: NOTCH2 (notch receptor 2; minus strand). Cytogenetic location: 1p12.
Variant type: single nucleotide variant.
Coding change: c.6758G>A on transcript NM_024408.4 (MANE Select); coding-DNA position 6758, G replaced by A.
Protein change: p.Trp2253Ter; replaces tryptophan 2253 with a stop codon.
Molecular consequence: nonsense.
Genome position (GRCh38, 1-based): chr1:119,915,964, C>T on the plus strand (G>A on the coding strand, the complement: NOTCH2 is on the minus strand). VCF-style: chr1-119915964-C-T. GRCh37 (hg19) VCF-style: chr1-120458587-C-T.
Other names: short protein forms W2253*.
Identifiers: ClinVar variation 451587 (VCV000451587.2), dbSNP rs1553193524, ClinGen allele CA341876066.
Genomic context (GRCh38, chr1:119,915,964, plus strand): 5'-GCCAGGACCATACCAAACATCTCATTGTACTGGGTCTCATTCACCTCCATGCGGTTCATC[C>T]AATCTGCTGGGACTGGGACTGGATGGAGCCTACTCAAGCTTCCAGCACTGCCACTGCCTG-3'